The following is an entry in ClinVar:

NM_002878.4(RAD51D):c.756T>C (p.Thr252=)

Genes: RAD51D (RAD51 paralog D; minus strand), RAD51L3-RFFL (RAD51L3-RFFL readthrough; minus strand). Cytogenetic location: 17q12.
Variant type: single nucleotide variant.
Coding change: c.756T>C on transcript NM_002878.4 (MANE Select); coding-DNA position 756, T replaced by C.
Protein change: p.Thr252=; no amino-acid change (threonine 252 retained).
Molecular consequence: synonymous variant. On other transcripts: non-coding transcript variant (3).
Genome position (GRCh38, 1-based): chr17:35,101,348, A>G on the plus strand (T>C on the coding strand, the complement: RAD51D is on the minus strand). VCF-style: chr17-35101348-A-G. GRCh37 (hg19) VCF-style: chr17-33428367-A-G.
Other names: c.816T>C, p.Thr272= (NM_001142571.2); c.420T>C, p.Thr140= (NM_133629.3).
Identifiers: ClinVar variation 3903906 (VCV003903906.1).

ClinVar aggregate classification (germline): Benign (1 of 4 stars; one submission).

Conditions:
Breast-ovarian cancer, familial, susceptibility to, 4. Identifiers: Orphanet 145, MedGen C3280345, MONDO:0013669, OMIM 614291.

Submission:

Myriad Genetics, Inc.
Classification: Benign for Breast-ovarian cancer, familial, susceptibility to, 4. Last evaluated: 2025-02-24. Review status: criteria provided, single submitter. Criteria: Myriad Autosomal Dominant, Autosomal Recessive and X-Linked Classification Criteria (2023). Collection method: clinical testing. Allele origin: unknown.
Comment: This variant is considered benign. This variant is a silent/synonymous amino acid change and it is not expected to impact splicing.